The following is an entry in ClinVar:

NM_170784.3(MKKS):c.1312T>G (p.Cys438Gly)

Gene: MKKS (MKKS centrosomal shuttling protein; minus strand). Cytogenetic location: 20p12.2.
Variant type: single nucleotide variant.
Coding change: c.1312T>G on transcript NM_170784.3 (MANE Select); coding-DNA position 1312, T replaced by G.
Protein change: p.Cys438Gly; replaces cysteine 438 with glycine.
Molecular consequence: missense variant. On other transcripts: non-coding transcript variant (1).
Genome position (GRCh38, 1-based): chr20:10,405,648, A>C on the plus strand (T>G on the coding strand, the complement: MKKS is on the minus strand). VCF-style: chr20-10405648-A-C. GRCh37 (hg19) VCF-style: chr20-10386296-A-C.
Other names: c.1312T>G, p.Cys438Gly (NM_018848.3); short protein forms C438G.
Identifiers: ClinVar variation 1717600 (VCV001717600.5), dbSNP rs2514487066, ClinGen allele CA408231175.

ClinVar aggregate classification (germline): Uncertain significance (1 of 4 stars; one submission).

Conditions:
Bardet-Biedl syndrome (BBS). Identifiers: Orphanet 110, MedGen C0752166, MONDO:0015229.
McKusick-Kaufman syndrome (MKKS). Also called: HYDROMETROCOLPOS SYNDROME; HYDROMETROCOLPOS, POSTAXIAL POLYDACTYLY, AND CONGENITAL HEART MALFORMATION. Identifiers: Orphanet 2473, MedGen C0948368, MONDO:0009367, OMIM 236700.

gnomAD v4.1: 1 of 1,614,184 alleles (0.000062%); highest among the groups gnomAD compares: Non-Finnish European, 0.000085%; no homozygotes.

Submission:

Labcorp Genetics (formerly Invitae), Labcorp
Classification: Uncertain significance for McKusick-Kaufman syndrome; Bardet-Biedl syndrome. Last evaluated: 2022-08-22. Review status: criteria provided, single submitter. Criteria: Invitae Variant Classification Sherloc (09022015). Collection method: clinical testing. Allele origin: germline.
Comment: In summary, the available evidence is currently insufficient to determine the role of this variant in disease. Therefore, it has been classified as a Variant of Uncertain Significance. Algorithms developed to predict the effect of missense changes on protein structure and function are either unavailable or do not agree on the potential impact of this missense change (SIFT: "Deleterious"; PolyPhen-2: "Probably Damaging"; Align-GVGD: "Class C0"). This variant has not been reported in the literature in individuals affected with MKKS-related conditions. This variant is not present in population databases (gnomAD no frequency). This sequence change replaces cysteine, which is neutral and slightly polar, with glycine, which is neutral and non-polar, at codon 438 of the MKKS protein (p.Cys438Gly).